The following is an entry in ClinVar:

NM_000138.5(FBN1):c.182C>G (p.Ser61Ter)

Gene: FBN1 (fibrillin 1; minus strand). Cytogenetic location: 15q21.1.
Variant type: single nucleotide variant.
Coding change: c.182C>G on transcript NM_000138.5 (MANE Select); coding-DNA position 182, C replaced by G.
Protein change: p.Ser61Ter; replaces serine 61 with a stop codon.
Molecular consequence: nonsense.
Genome position (GRCh38, 1-based): chr15:48,613,075, G>C on the plus strand (C>G on the coding strand, the complement: FBN1 is on the minus strand). VCF-style: chr15-48613075-G-C. GRCh37 (hg19) VCF-style: chr15-48905272-G-C.
Other names: c.182C>G, p.Ser61Ter (NM_001406716.1, NM_001406717.1); short protein forms S61*.
Identifiers: ClinVar variation 2453680 (VCV002453680.5), dbSNP rs2505779274, ClinGen allele CA392448499.

ClinVar aggregate classification (germline): Pathogenic. Review status: criteria provided, multiple submitters, no conflicts (2 of 4 stars). 2 submissions from 2 submitters: Pathogenic (2). Last evaluated 2024-05-28.

Conditions:
Familial thoracic aortic aneurysm and aortic dissection (TAAD). Also called: Thoracic aortic aneurysms and dissections. Identifiers: Orphanet 91387, MedGen C4707243, MONDO:0019625.
Marfan syndrome (MFS). Also called: MARFAN SYNDROME, TYPE I; FBN1-Related Marfan Syndrome; Marfan syndrome type 1; Marfan's syndrome; Marfan syndrome, classic. Identifiers: Orphanet 284963, Orphanet 558, MedGen C0024796, MONDO:0007947, OMIM 154700.

Submissions (2):

Labcorp Genetics (formerly Invitae), Labcorp
Classification: Pathogenic for Marfan syndrome; Familial thoracic aortic aneurysm and aortic dissection. Last evaluated: 2024-05-28. Review status: criteria provided, single submitter. Criteria: Invitae Variant Classification Sherloc (09022015). Collection method: clinical testing. Allele origin: germline.
Comment: This sequence change creates a premature translational stop signal (p.Ser61*) in the FBN1 gene. It is expected to result in an absent or disrupted protein product. Loss-of-function variants in FBN1 are known to be pathogenic (PMID: 17657824, 19293843). This variant is not present in population databases (gnomAD no frequency). This variant has not been reported in the literature in individuals affected with FBN1-related conditions. ClinVar contains an entry for this variant (Variation ID: 2453680). For these reasons, this variant has been classified as Pathogenic.

Ambry Genetics
Classification: Pathogenic for Familial thoracic aortic aneurysm and aortic dissection. Last evaluated: 2022-12-14. Review status: criteria provided, single submitter. Criteria: Ambry Variant Classification Scheme 2023. Collection method: clinical testing. Allele origin: germline.
Comment: The p.S61* pathogenic mutation (also known as c.182C>G), located in coding exon 2 of the FBN1 gene, results from a C to G substitution at nucleotide position 182. This changes the amino acid from a serine to a stop codon within coding exon 2. This variant is considered to be rare based on population cohorts in the Genome Aggregation Database (gnomAD). This alteration is expected to result in loss of function by premature protein truncation or nonsense-mediated mRNA decay. As such, this alteration is interpreted as a disease-causing mutation.

Literature cited by the submitters: PubMed 17657824 (cited by Labcorp Genetics (formerly Invitae), Labcorp); PubMed 19293843 (cited by Labcorp Genetics (formerly Invitae), Labcorp).